The following is an entry in ClinVar:

NM_000548.5(TSC2):c.2967-7C>T

Gene: TSC2 (TSC complex subunit 2; plus strand). Cytogenetic location: 16p13.3.
Variant type: single nucleotide variant.
Coding change: c.2967-7C>T on transcript NM_000548.5 (MANE Select); 7 bases into the intron before coding-DNA position 2967, C replaced by T.
Molecular consequence: intron variant.
Genome position (GRCh38, 1-based): chr16:2,079,025, C>T. VCF-style: chr16-2079025-C-T. GRCh37 (hg19) VCF-style: chr16-2129026-C-T.
Other names: c.1494-7C>T (NM_001406693.1, NM_001406690.1, NM_001406692.1 and 1 more transcripts); c.2928-7C>T (NM_001406667.1); c.2928-10C>T (NM_001406668.1); c.2367-7C>T (NM_001406680.1, NM_001406683.1, NM_001406682.1); c.2238-10C>T (NM_001406687.1, NM_001318831.2, NM_001406688.1); c.1623-7C>T (NM_001406689.1); c.1494-10C>T (NM_001406691.1, NM_001406697.1, NM_001406695.1 and 1 more transcripts); c.1236-10C>T (NM_001406698.1); and 18 more.
Identifiers: ClinVar variation 2810938 (VCV002810938.10), dbSNP rs2544023060, ClinGen allele CA2631117449.

ClinVar aggregate classification (germline): Conflicting classifications of pathogenicity. Review status: criteria provided, conflicting classifications (1 of 4 stars). 3 submissions from 3 submitters: Uncertain significance (1); Likely benign (2). Last evaluated 2025-10-01.

Conditions:
Tuberous sclerosis 2 (TSC2). Identifiers: Orphanet 805, MedGen C1860707, MONDO:0013199, OMIM 613254.

Submissions (3):

CeGaT Center for Human Genetics Tuebingen
Classification: Uncertain significance. Last evaluated: 2025-10-01. Review status: criteria provided, single submitter. Criteria: CeGaT Center For Human Genetics Tuebingen Variant Classification Criteria Version 2. Collection method: clinical testing. Allele origin: germline. Affected: yes. Observed: 1 variant allele.
Comment: TSC2: PM2, BP4

Labcorp Genetics (formerly Invitae), Labcorp
Classification: Likely benign for Tuberous sclerosis 2. Last evaluated: 2025-07-30. Review status: criteria provided, single submitter. Criteria: Invitae Variant Classification Sherloc (09022015). Collection method: clinical testing. Allele origin: germline.

Myriad Genetics, Inc.
Classification: Likely benign for Tuberous sclerosis 2. Last evaluated: 2025-05-27. Review status: criteria provided, single submitter. Criteria: Myriad Autosomal Dominant, Autosomal Recessive and X-Linked Classification Criteria (2023). Collection method: clinical testing. Allele origin: unknown.
Comment: This variant is considered likely benign. This variant is intronic and is not expected to impact mRNA splicing.